The following is an entry in ClinVar:

ClinVar aggregate classification (germline): Uncertain significance (1 of 4 stars; one submission).

Conditions:
Cortical dysplasia-focal epilepsy syndrome (PTHSL1). Also called: Pitt-Hopkins-like syndrome 1. Identifiers: Orphanet 163681, Orphanet 221150, MedGen C2750246, MONDO:0012400, OMIM 610042.

Allele frequency attached by ClinVar (database versions not stated): gnomAD exomes below 0.00001.
gnomAD v4.1: 1 of 1,614,052 alleles (0.000062%); highest among the groups gnomAD compares: Non-Finnish European, 0.000085%; no homozygotes.

Submission:

Labcorp Genetics (formerly Invitae), Labcorp
Classification: Uncertain significance for Cortical dysplasia-focal epilepsy syndrome. Last evaluated: 2024-12-02. Review status: criteria provided, single submitter. Criteria: Invitae Variant Classification Sherloc (09022015). Collection method: clinical testing. Allele origin: germline.
Comment: This sequence change replaces alanine, which is neutral and non-polar, with valine, which is neutral and non-polar, at codon 1026 of the CNTNAP2 protein (p.Ala1026Val). This variant is not present in population databases (gnomAD no frequency). This variant has not been reported in the literature in individuals affected with CNTNAP2-related conditions. ClinVar contains an entry for this variant (Variation ID: 2792610). An algorithm developed to predict the effect of missense changes on protein structure and function (PolyPhen-2) suggests that this variant is likely to be tolerated. In summary, the available evidence is currently insufficient to determine the role of this variant in disease. Therefore, it has been classified as a Variant of Uncertain Significance.

NM_014141.6(CNTNAP2):c.3077C>T (p.Ala1026Val)

Gene: CNTNAP2 (contactin associated protein 2; plus strand). Cytogenetic location: 7q36.1.
Variant type: single nucleotide variant.
Coding change: c.3077C>T on transcript NM_014141.6 (MANE Select); coding-DNA position 3077, C replaced by T.
Protein change: p.Ala1026Val; replaces alanine 1026 with valine.
Molecular consequence: missense variant.
Genome position (GRCh38, 1-based): chr7:148,217,354, C>T. VCF-style: chr7-148217354-C-T. GRCh37 (hg19) VCF-style: chr7-147914446-C-T.
Other names: short protein forms A1026V.
Identifiers: ClinVar variation 2792610 (VCV002792610.3), dbSNP rs2536642047, ClinGen allele CA369929191.